The following is an entry in ClinVar:

NM_001367823.1(ARHGEF18):c.1774G>T (p.Val592Leu)

Gene: ARHGEF18 (Rho/Rac guanine nucleotide exchange factor 18; plus strand). Cytogenetic location: 19p13.2.
Variant type: single nucleotide variant.
Coding change: c.1774G>T on transcript NM_001367823.1 (MANE Select); coding-DNA position 1774, G replaced by T.
Protein change: p.Val592Leu; replaces valine 592 with leucine.
Molecular consequence: missense variant.
Genome position (GRCh38, 1-based): chr19:7,451,185, G>T. VCF-style: chr19-7451185-G-T. GRCh37 (hg19) VCF-style: chr19-7516071-G-T.
Other names: c.1048G>T, p.Val350Leu (NM_001130955.2); c.736G>T, p.Val246Leu (NM_001367824.1, NM_015318.4); short protein forms V350L, V592L, V246L.
Identifiers: ClinVar variation 1390551 (VCV001390551.3), dbSNP rs368588291, ClinGen allele CA9136611.
Genomic context (GRCh38, chr19:7,451,185, plus strand): 5'-AGGATCTTGCTTTCTGTTTCCTAGAAAATTGGCAACTTCTCCATCGTGCGGCGGCTTGGC[G>T]TGCAGGAGTGCATTCTCCTGGTTACACAACGCATAACCAAATACCCAGTGCTGGTGGAGC-3'
Protein context (NP_001354752.1, residues 582-602): GNFSIVRRLG[Val592Leu]QECILLVTQR

ClinVar aggregate classification (germline): Uncertain significance (1 of 4 stars; one submission).

Allele frequency attached by ClinVar (database versions not stated): ESP Exome Variant Server 0.00008.
gnomAD v4.1: 12 of 1,610,162 alleles (0.00075%); highest among the groups gnomAD compares: Non-Finnish European, 0.00093%; no homozygotes.

Submission:

Labcorp Genetics (formerly Invitae), Labcorp
Classification: Uncertain significance. Last evaluated: 2022-04-03. Review status: criteria provided, single submitter. Criteria: Invitae Variant Classification Sherloc (09022015). Collection method: clinical testing. Allele origin: germline.
Comment: This sequence change replaces valine, which is neutral and non-polar, with leucine, which is neutral and non-polar, at codon 404 of the ARHGEF18 protein (p.Val404Leu). This variant is present in population databases (rs368588291, gnomAD 0.003%). This variant has not been reported in the literature in individuals affected with ARHGEF18-related conditions. Algorithms developed to predict the effect of missense changes on protein structure and function are either unavailable or do not agree on the potential impact of this missense change (SIFT: "Deleterious"; PolyPhen-2: "Possibly Damaging"; Align-GVGD: "Class C0"). In summary, the available evidence is currently insufficient to determine the role of this variant in disease. Therefore, it has been classified as a Variant of Uncertain Significance.